The following is an entry in ClinVar:

ClinVar aggregate classification (germline): Uncertain significance (1 of 4 stars; one submission).

Submission:

Labcorp Genetics (formerly Invitae), Labcorp
Classification: Uncertain significance. Last evaluated: 2022-09-27. Review status: criteria provided, single submitter. Criteria: Invitae Variant Classification Sherloc (09022015). Collection method: clinical testing. Allele origin: germline.
Comment: ClinVar contains an entry for this variant (Variation ID: 1429381). In summary, the available evidence is currently insufficient to determine the role of this variant in disease. Therefore, it has been classified as a Variant of Uncertain Significance. Algorithms developed to predict the effect of missense changes on protein structure and function (SIFT, PolyPhen-2, Align-GVGD) all suggest that this variant is likely to be tolerated. This variant has not been reported in the literature in individuals affected with AHR-related conditions. This variant is not present in population databases (gnomAD no frequency). This sequence change replaces proline, which is neutral and non-polar, with leucine, which is neutral and non-polar, at codon 726 of the AHR protein (p.Pro726Leu).

NM_001621.5(AHR):c.2177C>T (p.Pro726Leu)

Gene: AHR (aryl hydrocarbon receptor; plus strand). Cytogenetic location: 7p21.1.
Variant type: single nucleotide variant.
Coding change: c.2177C>T on transcript NM_001621.5 (MANE Select); coding-DNA position 2177, C replaced by T.
Protein change: p.Pro726Leu; replaces proline 726 with leucine.
Molecular consequence: missense variant.
Genome position (GRCh38, 1-based): chr7:17,340,002, C>T. VCF-style: chr7-17340002-C-T. GRCh37 (hg19) VCF-style: chr7-17379626-C-T.
Other names: short protein forms P726L.
Identifiers: ClinVar variation 1429381 (VCV001429381.8), dbSNP rs1181668603, ClinGen allele CA366896341.